The following is an entry in ClinVar:

NM_001009944.3(PKD1):c.12004-3_12004-2dup

Gene: PKD1 (polycystin 1, transient receptor potential channel interacting; minus strand). Cytogenetic location: 16p13.3.
Variant type: Duplication.
Coding change: c.12004-3_12004-2dup on transcript NM_001009944.3 (MANE Select); 3 bases into the intron before coding-DNA position 12004 through the canonical splice acceptor site of the intron before coding-DNA position 12004, 2 bases duplicated (CA; older notation c.12004-3_12004-2dupCA).
Molecular consequence: splice acceptor variant.
Genome position (GRCh38, 1-based): chr16:2,090,810-2,090,811, TG duplicated on the plus strand (CA on the coding strand, the reverse complement: PKD1 is on the minus strand). VCF-style (leftmost placement, unchanged base first): chr16-2090809-C-CTG. GRCh37 (hg19) VCF-style: chr16-2140810-C-CTG.
Other names: c.12001-3_12001-2dup (NM_000296.4); c.12004-3_12004-2dupCA (NM_001009944.3).
Identifiers: ClinVar variation 4977763 (VCV004977763.2).
Genomic context (GRCh38, chr16:2,090,809, plus strand): 5'-TCGGCATAATGTCTTGCCAAAGACGGACCACTGGCGCACGAAGCGTAGCTGCTGGGCAGC[C>CTG]TGCGGACGAGAAATCTGTCTGCTTGCAGCCCTGGGGTGTGCGCCCAGCCCCGCGCCCACC-3'

ClinVar aggregate classification (germline): Uncertain significance. Review status: criteria provided, multiple submitters, no conflicts (2 of 4 stars). 2 submissions from 2 submitters: Uncertain significance (2). Last evaluated 2025-08-15.

Conditions:
Polycystic kidney disease, adult type (PKD1). Also called: Polycystic Kidney, Autosomal Dominant; POLYCYSTIC KIDNEY DISEASE, ADULT, TYPE I; Polycystic Kidney Disease 1, Autosomal Dominant; Polycystic kidney disease 1; Polycystic kidney disease 1, severe; POLYCYSTIC KIDNEY DISEASE 1 WITH OR WITHOUT POLYCYSTIC LIVER DISEASE. Identifiers: MedGen C3149841, MONDO:0008263, OMIM 173900.
PKD1-related disorder. Also called: PKD1-related condition.

Submissions (2):

PreventionGenetics, part of Exact Sciences
Classification: Uncertain significance for PKD1-related condition. Last evaluated: 2025-08-15. Review status: criteria provided, single submitter. Criteria: ACMG Guidelines, 2015. Collection method: clinical testing. Allele origin: germline.
Comment: The PKD1 c.12004-3_12004-2dupCA variant is predicted to result in an intronic duplication. This duplication involves the canonical splice site. However the canonical splicing is preserved according to available splicing prediction programs (SpliceAI, Jaganathan et al. 2019. PubMed ID: 30661751). To our knowledge, this variant has not been reported in the literature or in a large population database (gnomAD), indicating this variant is rare. At this time, the clinical significance of this variant is uncertain due to the absence of conclusive functional and genetic evidence.

UAEU Genomics Laboratory, United Arab Emirates University
Classification: Uncertain significance for Polycystic kidney disease, adult type. Last evaluated: 2024-01-31. Review status: criteria provided, single submitter. Criteria: ACMG Guidelines, 2015. Collection method: research. Allele origin: unknown. Affected: yes. Observed: 1 variant allele.
Comment: PM2, PP3,PM2, PP3